The following is an entry in ClinVar:

NM_000038.6(APC):c.6623_6627del (p.Glu2208fs)

Gene: APC (APC regulator of Wnt signaling pathway; plus strand). Cytogenetic location: 5q22.2.
Variant type: Deletion.
Coding change: c.6623_6627del on transcript NM_000038.6 (MANE Select); coding-DNA positions 6623 to 6627, 5 bases deleted (AAATT; older notation c.6623_6627delAAATT).
Protein change: p.Glu2208fs; shifts the reading frame from glutamic acid 2208.
Molecular consequence: frameshift variant.
Genome position (GRCh38, 1-based): chr5:112,842,217-112,842,221, AAATT deleted. VCF-style (leftmost placement, unchanged base first): chr5-112842216-GAAATT-G. GRCh37 (hg19) VCF-style: chr5-112177913-GAAATT-G.
Other names: c.6623_6627del, p.Glu2208fs (NM_001127510.3, NM_001354895.2); c.6569_6573del, p.Glu2190fs (NM_001127511.3); c.6677_6681del, p.Glu2226fs (NM_001354896.2); c.6653_6657del, p.Glu2218fs (NM_001354897.2); c.6548_6552del, p.Glu2183fs (NM_001354898.2); c.6539_6543del, p.Glu2180fs (NM_001354899.2); c.6500_6504del, p.Glu2167fs (NM_001354900.2); c.6446_6450del, p.Glu2149fs (NM_001354901.2); and 5 more; short protein forms E2117fs, E2167fs, E2183fs, E2226fs, E1925fs, E2180fs, E2149fs, E2190fs.
Identifiers: ClinVar variation 826515 (VCV000826515.5), dbSNP rs1580672887, ClinGen allele CA915943518.

ClinVar aggregate classification (germline): Pathogenic. Review status: criteria provided, multiple submitters, no conflicts (2 of 4 stars). 2 submissions from 2 submitters: Pathogenic (2). Last evaluated 2024-06-18.

Conditions:
Familial adenomatous polyposis 1 (FAP1). Also called: POLYPOSIS, ADENOMATOUS INTESTINAL; FAMILIAL ADENOMATOUS POLYPOSIS 1, ATTENUATED. Identifiers: MedGen C2713442, MONDO:0021056, OMIM 175100. Disease mechanism: loss of function.
Hereditary cancer-predisposing syndrome. Also called: Neoplastic Syndromes, Hereditary; Tumor predisposition; Hereditary neoplastic syndrome; Hereditary Cancer Syndrome. Identifiers: Orphanet 140162, MedGen C0027672, MeSH D009386, MONDO:0015356.

Submissions (2):

Myriad Genetics, Inc.
Classification: Pathogenic for Familial adenomatous polyposis 1. Last evaluated: 2024-06-18. Review status: criteria provided, single submitter. Criteria: Myriad Autosomal Dominant, Autosomal Recessive and X-Linked Classification Criteria (2023). Collection method: clinical testing. Allele origin: unknown.
Comment: This variant is considered pathogenic. This variant creates a frameshift predicted to result in premature protein truncation.

Ambry Genetics
Classification: Pathogenic for Hereditary cancer-predisposing syndrome. Last evaluated: 2019-05-07. Review status: criteria provided, single submitter. Criteria: Ambry Variant Classification Scheme 2023. Collection method: clinical testing. Allele origin: germline.
Comment: The c.6623_6627delAAATT pathogenic mutation, located in coding exon 15 of the APC gene, results from a deletion of 5 nucleotides at nucleotide positions 6623 to 6627, causing a translational frameshift with a predicted alternate stop codon (p.E2208Vfs*30). This alteration is expected to result in loss of function by premature protein truncation. As such, this alteration is interpreted as a disease-causing mutation.